The following is an entry in ClinVar:

ClinVar aggregate classification (germline): Conflicting classifications of pathogenicity. Review status: criteria provided, conflicting classifications (1 of 4 stars). 2 submissions from 2 submitters: Uncertain significance (1); Likely benign (1). Last evaluated 2025-08-11.

gnomAD v4.1: 283 of 1,607,496 alleles (0.018%); highest among the groups gnomAD compares: East Asian, 0.4%; 1 homozygote.

Submissions (2):

Ambry Genetics
Classification: Uncertain significance. Last evaluated: 2025-08-11. Review status: criteria provided, single submitter. Criteria: Ambry Variant Classification Scheme 2023. Collection method: clinical testing. Allele origin: germline.

CeGaT Center for Human Genetics Tuebingen
Classification: Likely benign. Last evaluated: 2025-01-01. Review status: criteria provided, single submitter. Criteria: CeGaT Center For Human Genetics Tuebingen Variant Classification Criteria Version 2. Collection method: clinical testing. Allele origin: germline. Affected: yes. Observed: 2 variant alleles.
Comment: SIGLEC1: BP4, BS2

NM_023068.4(SIGLEC1):c.1531G>A (p.Ala511Thr)

Gene: SIGLEC1 (sialic acid binding Ig like lectin 1; minus strand). Cytogenetic location: 20p13.
Variant type: single nucleotide variant.
Coding change: c.1531G>A on transcript NM_023068.4 (MANE Select); coding-DNA position 1531, G replaced by A.
Protein change: p.Ala511Thr; replaces alanine 511 with threonine.
Molecular consequence: missense variant.
Genome position (GRCh38, 1-based): chr20:3,699,457, C>T on the plus strand (G>A on the coding strand, the complement: SIGLEC1 is on the minus strand). VCF-style: chr20-3699457-C-T. GRCh37 (hg19) VCF-style: chr20-3680104-C-T.
Other names: c.1531G>A (NM_023068.3); c.1531G>A, p.Ala511Thr (NM_001367089.1); short protein forms A511T.
Identifiers: ClinVar variation 3771521 (VCV003771521.14).